The following is an entry in ClinVar:

ClinVar aggregate classification (germline): Uncertain significance (0 of 4 stars; one submission).

Conditions:
HSD3B2-related disorder. Also called: HSD3B2-related condition.

Submission:

PreventionGenetics, part of Exact Sciences
Classification: Uncertain significance for HSD3B2-related condition. Last evaluated: 2024-07-11. Review status: no assertion criteria provided. Collection method: clinical testing. Allele origin: germline.
Comment: The HSD3B2 c.442A>G variant is predicted to result in the amino acid substitution p.Asn148Asp. To our knowledge, this variant has not been reported in the literature or in a large population database, indicating this variant is rare. At this time, the clinical significance of this variant is uncertain due to the absence of conclusive functional and genetic evidence.

NM_000198.4(HSD3B2):c.442A>G (p.Asn148Asp)

Gene: HSD3B2 (hydroxy-delta-5-steroid dehydrogenase, 3 beta- and steroid delta-isomerase 2; plus strand). Cytogenetic location: 1p12.
Variant type: single nucleotide variant.
Coding change: c.442A>G on transcript NM_000198.4 (MANE Select); coding-DNA position 442, A replaced by G.
Protein change: p.Asn148Asp; replaces asparagine 148 with aspartic acid.
Molecular consequence: missense variant.
Genome position (GRCh38, 1-based): chr1:119,421,943, A>G. VCF-style: chr1-119421943-A-G. GRCh37 (hg19) VCF-style: chr1-119964566-A-G.
Other names: c.442A>G, p.Asn148Asp (NM_001166120.2); short protein forms N148D.
Identifiers: ClinVar variation 3346618 (VCV003346618.1).